The following is an entry in ClinVar:

ClinVar aggregate classification (germline): Uncertain significance (1 of 4 stars; one submission).

Submission:

GeneDx
Classification: Uncertain significance. Last evaluated: 2017-08-03. Review status: criteria provided, single submitter. Criteria: GeneDx Variant Classification (06012015). Collection method: clinical testing. Allele origin: germline. Affected: yes.
Comment: The c.4265 A>G variant has not been published as a pathogenic variant, nor has it been reported as a benign variant to our knowledge. The c.4265 A>G variant is not observed in large population cohorts (Lek et al., 2016; 1000 Genomes Consortium et al., 2015; Exome Variant Server). Several in-silico splice prediction models predict that c.4265 A>G creates a cryptic splice donor site which may supplant the natural donor site and lead to abnormal gene splicing; however, in the absence of RNA/functional studies, the actual effect of this sequence change on splicing is unknown. If c.4265 A>G does not alter splicing, it will result in the D1422G missense change, which is a non-conservative amino acid substitution that is likely to impact secondary protein structure as these residues differ in polarity, charge, size and/or other properties. This substitution occurs at a position where amino acids with similar properties to Aspartic acid are tolerated across species. In silico analysis is inconsistent in its predictions as to whether or not the variant is damaging to the protein structure/function. Therefore, based on the currently available information, it is unclear whether this variant is a pathogenic variant or a rare benign variant.

NM_001271.4(CHD2):c.4265A>G (p.Asp1422Gly)

Gene: CHD2 (chromodomain helicase DNA binding protein 2; plus strand). Cytogenetic location: 15q26.1.
Variant type: single nucleotide variant.
Coding change: c.4265A>G on transcript NM_001271.4 (MANE Select); coding-DNA position 4265, A replaced by G.
Protein change: p.Asp1422Gly; replaces aspartic acid 1422 with glycine.
Molecular consequence: missense variant.
Genome position (GRCh38, 1-based): chr15:93,002,304, A>G. VCF-style: chr15-93002304-A-G. GRCh37 (hg19) VCF-style: chr15-93545534-A-G.
Other names: short protein forms D1422G.
Identifiers: ClinVar variation 451132 (VCV000451132.1), dbSNP rs1555444960, ClinGen allele CA393901520.